The following is an entry in ClinVar:

ClinVar aggregate classification (germline): Uncertain significance. Review status: criteria provided, multiple submitters, no conflicts (2 of 4 stars). 3 submissions from 3 submitters: Uncertain significance (3). Last evaluated 2025-07-15.

Conditions:
Hereditary cancer-predisposing syndrome. Also called: Hereditary Cancer Syndrome; Hereditary neoplastic syndrome; Neoplastic Syndromes, Hereditary; Tumor predisposition. Identifiers: Orphanet 140162, MedGen C0027672, MeSH D009386, MONDO:0015356.

Allele frequency attached by ClinVar (database versions not stated): TOPMed below 0.00001.
gnomAD v4.1: 1 of 1,613,558 alleles (0.000062%); highest among the groups gnomAD compares: African/African-American, 0.0013%; no homozygotes.

Submissions (3):

Ambry Genetics
Classification: Uncertain significance for Hereditary cancer-predisposing syndrome. Last evaluated: 2025-07-15. Review status: criteria provided, single submitter. Criteria: Ambry Variant Classification Scheme 2023. Collection method: clinical testing. Allele origin: germline.
Comment: The p.L1852I variant (also known as c.5554C>A), located in coding exon 41 of the POLE gene, results from a C to A substitution at nucleotide position 5554. The leucine at codon 1852 is replaced by isoleucine, an amino acid with highly similar properties. This amino acid position is conserved. In addition, this alteration is predicted to be tolerated by in silico analysis. Since supporting evidence is limited at this time, the clinical significance of this alteration remains unclear.

Labcorp Genetics (formerly Invitae), Labcorp
Classification: Uncertain significance. Last evaluated: 2024-03-06. Review status: criteria provided, single submitter. Criteria: Invitae Variant Classification Sherloc (09022015). Collection method: clinical testing. Allele origin: germline.
Comment: This sequence change replaces leucine, which is neutral and non-polar, with isoleucine, which is neutral and non-polar, at codon 1852 of the POLE protein (p.Leu1852Ile). This variant is not present in population databases (gnomAD no frequency). This variant has not been reported in the literature in individuals affected with POLE-related conditions. ClinVar contains an entry for this variant (Variation ID: 1748251). An algorithm developed to predict the effect of missense changes on protein structure and function (PolyPhen-2) suggests that this variant is likely to be disruptive. In summary, the available evidence is currently insufficient to determine the role of this variant in disease. Therefore, it has been classified as a Variant of Uncertain Significance.

GeneDx
Classification: Uncertain significance. Last evaluated: 2023-04-26. Review status: criteria provided, single submitter. Criteria: GeneDx Variant Classification Process June 2021. Collection method: clinical testing. Allele origin: germline. Affected: yes.
Comment: Not observed at significant frequency in large population cohorts (gnomAD); In silico analysis supports that this missense variant does not alter protein structure/function; Has not been previously published as pathogenic or benign to our knowledge

NM_006231.4(POLE):c.5554C>A (p.Leu1852Ile)

Gene: POLE (DNA polymerase epsilon, catalytic subunit; minus strand). Cytogenetic location: 12q24.33.
Variant type: single nucleotide variant.
Coding change: c.5554C>A on transcript NM_006231.4 (MANE Select); coding-DNA position 5554, C replaced by A.
Protein change: p.Leu1852Ile; replaces leucine 1852 with isoleucine.
Molecular consequence: missense variant.
Genome position (GRCh38, 1-based): chr12:132,638,138, G>T on the plus strand (C>A on the coding strand, the complement: POLE is on the minus strand). VCF-style: chr12-132638138-G-T. GRCh37 (hg19) VCF-style: chr12-133214724-G-T.
Other names: short protein forms L1852I.
Identifiers: ClinVar variation 1748251 (VCV001748251.7), dbSNP rs2042072030, ClinGen allele CA387374218.